The following is an entry in ClinVar:

ClinVar aggregate classification (germline): Uncertain significance (1 of 4 stars; one submission).

Allele frequency attached by ClinVar (database versions not stated): TOPMed below 0.00001; ExAC 0.00001.
gnomAD v4.1: 3 of 1,613,396 alleles (0.00019%); highest among the groups gnomAD compares: Non-Finnish European, 0.00025%; no homozygotes.

Submission:

Labcorp Genetics (formerly Invitae), Labcorp
Classification: Uncertain significance. Last evaluated: 2022-05-17. Review status: criteria provided, single submitter. Criteria: Invitae Variant Classification Sherloc (09022015). Collection method: clinical testing. Allele origin: germline.
Comment: This sequence change replaces proline, which is neutral and non-polar, with arginine, which is basic and polar, at codon 567 of the ADGRV1 protein (p.Pro567Arg). This variant is not present in population databases (gnomAD no frequency). This variant has not been reported in the literature in individuals affected with ADGRV1-related conditions. Algorithms developed to predict the effect of missense changes on protein structure and function are either unavailable or do not agree on the potential impact of this missense change (SIFT: "Deleterious"; PolyPhen-2: "Probably Damaging"; Align-GVGD: "Class C0"). In summary, the available evidence is currently insufficient to determine the role of this variant in disease. Therefore, it has been classified as a Variant of Uncertain Significance.

NM_032119.4(ADGRV1):c.1700C>G (p.Pro567Arg)

Gene: ADGRV1 (adhesion G protein-coupled receptor V1; plus strand). Cytogenetic location: 5q14.3.
Variant type: single nucleotide variant.
Coding change: c.1700C>G on transcript NM_032119.4 (MANE Select); coding-DNA position 1700, C replaced by G.
Protein change: p.Pro567Arg; replaces proline 567 with arginine.
Molecular consequence: missense variant. On other transcripts: non-coding transcript variant (1).
Genome position (GRCh38, 1-based): chr5:90,629,400, C>G. VCF-style: chr5-90629400-C-G. GRCh37 (hg19) VCF-style: chr5-89925217-C-G.
Other names: short protein forms P567R.
Identifiers: ClinVar variation 1995633 (VCV001995633.1), dbSNP rs771832375, ClinGen allele CA3338737.
Genomic context (GRCh38, chr5:90,629,400, plus strand): 5'-CTAAAGGAGATGTGAGGTTGCTTTATTCTGTACTTTACATTCCTGCTGGAGCTGTGGACC[C>G]CTTGCAAGCAAAAGAAGGCATCTTAAATATATCAAGGAGAAATGACCTCATTTTTCCAGA-3'
Protein context (NP_115495.3, residues 557-577): VLYIPAGAVD[Pro567Arg]LQAKEGILNI